The following is an entry in ClinVar:

ClinVar aggregate classification (germline): Uncertain significance. Review status: criteria provided, multiple submitters, no conflicts (2 of 4 stars). 3 submissions from 3 submitters: Uncertain significance (3). Last evaluated 2025-05-15.

Conditions:
Hereditary cancer-predisposing syndrome. Also called: Hereditary neoplastic syndrome; Neoplastic Syndromes, Hereditary; Tumor predisposition; Hereditary Cancer Syndrome. Identifiers: Orphanet 140162, MedGen C0027672, MeSH D009386, MONDO:0015356.
Peutz-Jeghers syndrome (PJS). Also called: POLYPOSIS, HAMARTOMATOUS INTESTINAL; POLYPS-AND-SPOTS SYNDROME; Peutz-Jeghers polyposis; Periorificial lentiginosis syndrome. Identifiers: Orphanet 2869, MedGen C0031269, MeSH D010580, MONDO:0008280, OMIM 175200.

Allele frequency attached by ClinVar (database versions not stated): gnomAD exomes below 0.00001.
gnomAD v4.1: 1 of 1,583,764 alleles (0.000063%); highest among the groups gnomAD compares: Non-Finnish European, 0.000086%; no homozygotes.

Submissions (3):

Ambry Genetics
Classification: Uncertain significance for Hereditary cancer-predisposing syndrome. Last evaluated: 2025-05-15. Review status: criteria provided, single submitter. Criteria: Ambry Variant Classification Scheme 2023. Collection method: clinical testing. Allele origin: germline.
Comment: The p.V4M variant (also known as c.10G>A), located in coding exon 1 of the STK11 gene, results from a G to A substitution at nucleotide position 10. The valine at codon 4 is replaced by methionine, an amino acid with highly similar properties. This amino acid position is poorly conserved in available vertebrate species. In addition, this alteration is predicted to be tolerated by in silico analysis. Since supporting evidence is limited at this time, the clinical significance of this alteration remains unclear.

Labcorp Genetics (formerly Invitae), Labcorp
Classification: Uncertain significance for Peutz-Jeghers syndrome. Last evaluated: 2024-01-08. Review status: criteria provided, single submitter. Criteria: Invitae Variant Classification Sherloc (09022015). Collection method: clinical testing. Allele origin: germline.
Comment: This sequence change replaces valine, which is neutral and non-polar, with methionine, which is neutral and non-polar, at codon 4 of the STK11 protein (p.Val4Met). This variant is not present in population databases (gnomAD no frequency). This variant has not been reported in the literature in individuals affected with STK11-related conditions. ClinVar contains an entry for this variant (Variation ID: 480709). Advanced modeling of protein sequence and biophysical properties (such as structural, functional, and spatial information, amino acid conservation, physicochemical variation, residue mobility, and thermodynamic stability) has been performed at Invitae for this missense variant, however the output from this modeling did not meet the statistical confidence thresholds required to predict the impact of this variant on STK11 protein function. In summary, the available evidence is currently insufficient to determine the role of this variant in disease. Therefore, it has been classified as a Variant of Uncertain Significance.

GeneDx
Classification: Uncertain significance. Last evaluated: 2023-10-09. Review status: criteria provided, single submitter. Criteria: GeneDx Variant Classification Process June 2021. Collection method: clinical testing. Allele origin: germline. Affected: yes.
Comment: Not observed at significant frequency in large population cohorts (gnomAD); In silico analysis supports that this missense variant does not alter protein structure/function; Has not been previously published as pathogenic or benign to our knowledge; This variant is associated with the following publications: (PMID: 24468202)

NM_000455.5(STK11):c.10G>A (p.Val4Met)

Gene: STK11 (serine/threonine kinase 11; plus strand). Cytogenetic location: 19p13.3.
Variant type: single nucleotide variant.
Coding change: c.10G>A on transcript NM_000455.5 (MANE Select); coding-DNA position 10, G replaced by A.
Protein change: p.Val4Met; replaces valine 4 with methionine.
Molecular consequence: missense variant.
Genome position (GRCh38, 1-based): chr19:1,206,923, G>A. VCF-style: chr19-1206923-G-A. GRCh37 (hg19) VCF-style: chr19-1206922-G-A.
Other names: short protein forms V4M.
Identifiers: ClinVar variation 480709 (VCV000480709.15), dbSNP rs767300470, ClinGen allele CA402942954.